The following is an entry in ClinVar:

NM_144691.4(CAPN12):c.1744G>A (p.Ala582Thr)

Gene: CAPN12 (calpain 12; minus strand). Cytogenetic location: 19q13.2.
Variant type: single nucleotide variant.
Coding change: c.1744G>A on transcript NM_144691.4 (MANE Select); coding-DNA position 1744, G replaced by A.
Protein change: p.Ala582Thr; replaces alanine 582 with threonine.
Molecular consequence: missense variant.
Genome position (GRCh38, 1-based): chr19:38,734,813, C>T on the plus strand (G>A on the coding strand, the complement: CAPN12 is on the minus strand). VCF-style: chr19-38734813-C-T. GRCh37 (hg19) VCF-style: chr19-39225453-C-T.
Other names: short protein forms A582T.
Identifiers: ClinVar variation 5020397 (VCV005020397.1).

ClinVar aggregate classification (germline): Uncertain significance (1 of 4 stars; one submission).

Submission:

Dasa
Classification: Uncertain significance. Last evaluated: 2026-06-11. Review status: criteria provided, single submitter. Criteria: DASA Assertion Criteria. Collection method: clinical testing. Allele origin: germline.
Comment: NM_144691.4(CAPN12):c.1744G>A (p.Ala582Thr) is a missense variant that results in the substitution of alanine with threonine. This variant is rare in population databases. Computational prediction algorithms are consistent with a deleterious effect. The currently available literature and clinical evidence are not sufficient to establish a definitive association between this variant and the reported condition. Therefore, this variant is classified as a variant of uncertain significance.